The following is an entry in ClinVar:

ClinVar aggregate classification (germline): Uncertain significance (1 of 4 stars; one submission).

Allele frequency attached by ClinVar (database versions not stated): gnomAD exomes below 0.00001; TOPMed below 0.00001.
gnomAD v4.1: 3 of 1,612,538 alleles (0.00019%); highest among the groups gnomAD compares: African/African-American, 0.0013%; no homozygotes.

Submission:

Labcorp Genetics (formerly Invitae), Labcorp
Classification: Uncertain significance. Last evaluated: 2022-07-12. Review status: criteria provided, single submitter. Criteria: Invitae Variant Classification Sherloc (09022015). Collection method: clinical testing. Allele origin: germline.
Comment: In summary, the available evidence is currently insufficient to determine the role of this variant in disease. Therefore, it has been classified as a Variant of Uncertain Significance. Algorithms developed to predict the effect of missense changes on protein structure and function are either unavailable or do not agree on the potential impact of this missense change (SIFT: "Tolerated"; PolyPhen-2: "Possibly Damaging"; Align-GVGD: "Class C0"). ClinVar contains an entry for this variant (Variation ID: 1349568). This variant has not been reported in the literature in individuals affected with AP3B2-related conditions. This variant is not present in population databases (gnomAD no frequency). This sequence change replaces aspartic acid, which is acidic and polar, with asparagine, which is neutral and polar, at codon 181 of the AP3B2 protein (p.Asp181Asn).

NM_001278512.2(AP3B2):c.541G>A (p.Asp181Asn)

Genes: AP3B2 (adaptor related protein complex 3 subunit beta 2; minus strand), CPEB1-AS1 (CPEB1 antisense RNA 1; plus strand). Cytogenetic location: 15q25.2.
Variant type: single nucleotide variant.
Coding change: c.541G>A on transcript NM_001278512.2 (MANE Select); coding-DNA position 541, G replaced by A.
Protein change: p.Asp181Asn; replaces aspartic acid 181 with asparagine.
Molecular consequence: missense variant.
Genome position (GRCh38, 1-based): chr15:82,681,159, C>T on the plus strand (G>A on the coding strand, the complement: AP3B2 is on the minus strand). VCF-style: chr15-82681159-C-T. GRCh37 (hg19) VCF-style: chr15-83349911-C-T.
Other names: c.445G>A, p.Asp149Asn (NM_001278511.2); c.541G>A, p.Asp181Asn (NM_004644.5); short protein forms D149N, D181N.
Identifiers: ClinVar variation 1349568 (VCV001349568.6), dbSNP rs759379257, ClinGen allele CA7700458.